The following is an entry in ClinVar:

ClinVar aggregate classification (germline): Uncertain significance (1 of 4 stars; one submission).

Conditions:
Premature ovarian failure 11 (POF11). Identifiers: MedGen C4310783, MONDO:0014843, OMIM 616946.

Allele frequency attached by ClinVar (database versions not stated): gnomAD exomes below 0.00001.
gnomAD v4.1: 2 of 1,613,872 alleles (0.00012%); highest among the groups gnomAD compares: South Asian, 0.0011%; no homozygotes.

Submission:

Neuberg Centre For Genomic Medicine, NCGM
Classification: Uncertain significance for Premature ovarian failure 11. Review status: criteria provided, single submitter. Criteria: ACMG Guidelines, 2015. Collection method: clinical testing. Allele origin: germline. Inheritance: Autosomal dominant inheritance. Affected: yes.
Comment: Clinical indication: Fertility related issues Investigations: Karyotype is normal.

NM_000124.4(ERCC6):c.4025A>C (p.Gln1342Pro)

Gene: ERCC6 (ERCC excision repair 6, chromatin remodeling factor; minus strand). Cytogenetic location: 10q11.23.
Variant type: single nucleotide variant.
Coding change: c.4025A>C on transcript NM_000124.4 (MANE Select); coding-DNA position 4025, A replaced by C.
Protein change: p.Gln1342Pro; replaces glutamine 1342 with proline.
Molecular consequence: missense variant.
Genome position (GRCh38, 1-based): chr10:49,460,410, T>G on the plus strand (A>C on the coding strand, the complement: ERCC6 is on the minus strand). VCF-style: chr10-49460410-T-G. GRCh37 (hg19) VCF-style: chr10-50668456-T-G.
Other names: c.4025A>C, p.Gln1342Pro (NM_001346440.2); short protein forms Q1342P.
Identifiers: ClinVar variation 2585514 (VCV002585514.1), dbSNP rs2495946824, ClinGen allele CA376708089.
Genomic context (GRCh38, chr10:49,460,410, plus strand): 5'-AGCAAAAAGGTTATCTATATTACCTGGCACTTCTCTGTTGGAGATGTTGATGAAGGATGC[T>G]GCACAGAGAAGTTAGAATTCCTTTTCTTACCAAATCTACTCCTAAAAAAGGAAAAGCATC-3'
Protein context (NP_000115.1, residues 1332-1352): GKKRNSNFSV[Gln1342Pro]HPSSTSPTEK